The following is an entry in ClinVar:

NM_002439.5(MSH3):c.788C>G (p.Ala263Gly)

Gene: MSH3 (mutS homolog 3; plus strand). Cytogenetic location: 5q14.1.
Variant type: single nucleotide variant.
Coding change: c.788C>G on transcript NM_002439.5 (MANE Select); coding-DNA position 788, C replaced by G.
Protein change: p.Ala263Gly; replaces alanine 263 with glycine.
Molecular consequence: missense variant.
Genome position (GRCh38, 1-based): chr5:80,670,305, C>G. VCF-style: chr5-80670305-C-G. GRCh37 (hg19) VCF-style: chr5-79966124-C-G.
Other names: short protein forms A263G.
Identifiers: ClinVar variation 849928 (VCV000849928.12), dbSNP rs1749676270, ClinGen allele CA360267030.

ClinVar aggregate classification (germline): Uncertain significance. Review status: criteria provided, multiple submitters, no conflicts (2 of 4 stars). 2 submissions from 2 submitters: Uncertain significance (2). Last evaluated 2026-01-11.

Conditions:
Hereditary cancer-predisposing syndrome. Also called: Tumor predisposition; Neoplastic Syndromes, Hereditary; Hereditary neoplastic syndrome; Hereditary Cancer Syndrome. Identifiers: Orphanet 140162, MedGen C0027672, MeSH D009386, MONDO:0015356.

Allele frequency attached by ClinVar (database versions not stated): gnomAD exomes below 0.00001.
gnomAD v4.1: 3 of 1,613,870 alleles (0.00019%); highest among the groups gnomAD compares: Non-Finnish European, 0.00025%; no homozygotes.

Submissions (2):

Labcorp Genetics (formerly Invitae), Labcorp
Classification: Uncertain significance. Last evaluated: 2026-01-11. Review status: criteria provided, single submitter. Criteria: Invitae Variant Classification Sherloc (09022015). Collection method: clinical testing. Allele origin: germline.
Comment: This sequence change replaces alanine, which is neutral and non-polar, with glycine, which is neutral and non-polar, at codon 263 of the MSH3 protein (p.Ala263Gly). This variant is not present in population databases (gnomAD no frequency). This variant has not been reported in the literature in individuals affected with MSH3-related conditions. ClinVar contains an entry for this variant (Variation ID: 849928). An algorithm developed to predict the effect of missense changes on protein structure and function (PolyPhen-2) suggests that this variant is likely to be disruptive. In summary, the available evidence is currently insufficient to determine the role of this variant in disease. Therefore, it has been classified as a Variant of Uncertain Significance.

Ambry Genetics
Classification: Uncertain significance for Hereditary cancer-predisposing syndrome. Last evaluated: 2022-08-11. Review status: criteria provided, single submitter. Criteria: Ambry Variant Classification Scheme 2023. Collection method: clinical testing. Allele origin: germline.
Comment: The p.A263G variant (also known as c.788C>G), located in coding exon 4 of the MSH3 gene, results from a C to G substitution at nucleotide position 788. The alanine at codon 263 is replaced by glycine, an amino acid with similar properties. This amino acid position is conserved. In addition, this alteration is predicted to be deleterious by in silico analysis. Since supporting evidence is limited at this time, the clinical significance of this alteration remains unclear.